The following is an entry in ClinVar:

ClinVar aggregate classification (germline): Uncertain significance (1 of 4 stars; one submission).

Submission:

GeneDx
Classification: Uncertain significance. Last evaluated: 2020-10-13. Review status: criteria provided, single submitter. Criteria: GeneDx Variant Classification Process June 2021. Collection method: clinical testing. Allele origin: germline. Affected: yes.
Comment: Located in a region that tolerates variation and lacks pathogenic variants; Has not been previously published as pathogenic or benign to our knowledge; In-silico analyses, including splice predictors and evolutionary conservation, are inconsistent in their assessment as to whether or not the variant is damaging

NM_003070.5(SMARCA2):c.3982-4A>T

Gene: SMARCA2 (SWI/SNF related, matrix associated, actin dependent regulator of chromatin, subfamily a, member 2; plus strand). Cytogenetic location: 9p24.3.
Variant type: single nucleotide variant.
Coding change: c.3982-4A>T on transcript NM_003070.5 (MANE Select); 4 bases into the intron before coding-DNA position 3982, A replaced by T.
Molecular consequence: intron variant.
Genome position (GRCh38, 1-based): chr9:2,161,682, A>T. VCF-style: chr9-2161682-A-T. GRCh37 (hg19) VCF-style: chr9-2161682-A-T.
Other names: c.3982-4A>T (NM_139045.4, NM_001289396.2); c.3808-4A>T (NM_001289397.2); c.10-4A>T (NM_001289398.2); c.100-4A>T (NM_001289400.2); c.94-4A>T (NM_001289399.2).
Identifiers: ClinVar variation 1304125 (VCV001304125.2), dbSNP rs2129640514, ClinGen allele CA2573053160.